The following is an entry in ClinVar:

NM_201384.3(PLEC):c.9067G>A (p.Ala3023Thr)

Gene: PLEC (plectin; minus strand). Cytogenetic location: 8q24.3.
Variant type: single nucleotide variant.
Coding change: c.9067G>A on transcript NM_201384.3 (MANE Select); coding-DNA position 9067, G replaced by A.
Protein change: p.Ala3023Thr; replaces alanine 3023 with threonine.
Molecular consequence: missense variant.
Genome position (GRCh38, 1-based): chr8:143,920,754, C>T on the plus strand (G>A on the coding strand, the complement: PLEC is on the minus strand). VCF-style: chr8-143920754-C-T. GRCh37 (hg19) VCF-style: chr8-144994922-C-T.
Other names: c.9148G>A, p.Ala3050Thr (NM_000445.5); c.5767G>A, p.Ala1923Thr (NM_001410941.1); c.9025G>A, p.Ala3009Thr (NM_201378.4); c.9001G>A, p.Ala3001Thr (NM_201379.3); c.9478G>A, p.Ala3160Thr (NM_201380.4); c.8971G>A, p.Ala2991Thr (NM_201381.3); c.9067G>A, p.Ala3023Thr (NM_201382.4); c.9079G>A, p.Ala3027Thr (NM_201383.3); short protein forms A3027T, A3023T, A1923T, A3001T, A2991T, A3009T, A3050T, A3160T.
Identifiers: ClinVar variation 4783477 (VCV004783477.1).
Genomic context (GRCh38, chr8:143,920,754, plus strand): 5'-CATTGTAGATACTCAGCTTCTGCCCCGCCTCCTCCAGCCATACACCCGCGATGACGTTGG[C>T]ACCCCGGAGAGCCCGCCGCACAGTGTCCACCTCGGCTACGTCTCGCACAGAGCGCTCACC-3'
Protein context (NP_958786.1, residues 3013-3033): VDTVRRALRG[Ala3023Thr]NVIAGVWLEE

ClinVar aggregate classification (germline): Uncertain significance (1 of 4 stars; one submission).

Conditions:
Epidermolysis bullosa simplex with nail dystrophy (EBS5D). Identifiers: MedGen C4225309, MONDO:0014661, OMIM 616487.
Epidermolysis bullosa simplex, Ogna type (EBS5A). Also called: Pidermolysis bullosa simplex 5A, Ogna type; EPIDERMOLYSIS BULLOSA SIMPLEX 5A, OGNA TYPE. Identifiers: Orphanet 79401, MedGen C0432317, MONDO:0007555, OMIM 131950.
Epidermolysis bullosa simplex 5B, with muscular dystrophy (EBS5B). Also called: Epidermolysis bullosa simplex with muscular dystrophy; EPIDERMOLYSIS BULLOSA SIMPLEX AND LIMB-GIRDLE MUSCULAR DYSTROPHY. Identifiers: Orphanet 257, MedGen C2931072, MONDO:0009181, OMIM 226670.
Autosomal recessive limb-girdle muscular dystrophy type 2Q (LGMDR17). Also called: MUSCULAR DYSTROPHY, LIMB-GIRDLE, AUTOSOMAL RECESSIVE 17. Identifiers: Orphanet 254361, MedGen C3150989, MONDO:0013390, OMIM 613723.
Epidermolysis bullosa simplex 5C, with pyloric atresia (EBS5C). Also called: PLEC-Related Epidermolysis Bullosa with Pyloric Atresia; Epidermolysis bullosa simplex with pyloric atresia; PLEC1-Related Epidermolysis Bullosa with Pyloric Atresia. Identifiers: Orphanet 158684, MedGen C2677349, MONDO:0012807, OMIM 612138.

gnomAD v4.1: 2 of 1,605,540 alleles (0.00012%); highest among the groups gnomAD compares: Non-Finnish European, 0.00017%; no homozygotes.

Submission:

Labcorp Genetics (formerly Invitae), Labcorp
Classification: Uncertain significance for Autosomal recessive limb-girdle muscular dystrophy type 2Q; Epidermolysis bullosa simplex, Ogna type; Epidermolysis bullosa simplex with nail dystrophy; Epidermolysis bullosa simplex 5C, with pyloric atresia; Epidermolysis bullosa simplex 5B, with muscular dystrophy. Last evaluated: 2025-10-12. Review status: criteria provided, single submitter. Criteria: Invitae Variant Classification Sherloc (09022015). Collection method: clinical testing. Allele origin: germline.
Comment: This sequence change replaces alanine, which is neutral and non-polar, with threonine, which is neutral and polar, at codon 3050 of the PLEC protein (p.Ala3050Thr). The frequency data for this variant in the population databases is considered unreliable, as metrics indicate poor data quality at this position in the gnomAD database. This variant has not been reported in the literature in individuals affected with PLEC-related conditions. Invitae Evidence Modeling of protein sequence and biophysical properties (such as structural, functional, and spatial information, amino acid conservation, physicochemical variation, residue mobility, and thermodynamic stability) indicates that this missense variant is not expected to disrupt PLEC protein function with a negative predictive value of 80%. In summary, the available evidence is currently insufficient to determine the role of this variant in disease. Therefore, it has been classified as a Variant of Uncertain Significance.